The following is an entry in ClinVar:

NM_018834.6(MATR3):c.-178+181A>G

Gene: MATR3 (matrin 3; plus strand). Cytogenetic location: 5q31.2.
Variant type: single nucleotide variant.
Coding change: c.-178+181A>G on transcript NM_018834.6 (MANE Select); 181 bases into the intron after 178 bases upstream of the start codon, A replaced by G.
Molecular consequence: intron variant. On other transcripts: 5 prime UTR variant (6), synonymous variant (1).
Genome position (GRCh38, 1-based): chr5:139,293,986, A>G. VCF-style: chr5-139293986-A-G. GRCh37 (hg19) VCF-style: chr5-138629675-A-G.
Other names: c.-220A>G (NM_001194955.2); c.6A>G, p.Leu2= (NM_001194956.2); c.-1189A>G (NM_001400445.1); c.-808A>G (NM_001400457.1); c.-812A>G (NM_001400458.1); c.-1114A>G (NM_001400466.1); c.-1052A>G (NM_001400467.1); c.-178+411A>G (NM_001400451.1, NM_001400455.1, NM_001400452.1 and 3 more transcripts); and 7 more.
Identifiers: ClinVar variation 3348614 (VCV003348614.1).

ClinVar aggregate classification (germline): Likely benign (0 of 4 stars; one submission).

Conditions:
MATR3-related disorder. Also called: MATR3-related condition.

Submission:

PreventionGenetics, part of Exact Sciences
Classification: Likely benign for MATR3-related condition. Last evaluated: 2024-08-22. Review status: no assertion criteria provided. Collection method: clinical testing. Allele origin: germline.
Comment: This variant is classified as likely benign based on ACMG/AMP sequence variant interpretation guidelines (Richards et al. 2015 PMID: 25741868, with internal and published modifications).